The following is an entry in ClinVar:

NM_000535.7(PMS2):c.2275+1G>T

Gene: PMS2 (PMS1 homolog 2, mismatch repair system component; minus strand). Cytogenetic location: 7p22.1.
Variant type: single nucleotide variant.
Coding change: c.2275+1G>T on transcript NM_000535.7 (MANE Select); the canonical splice donor site of the intron after coding-DNA position 2275, G replaced by T.
Molecular consequence: splice donor variant. On other transcripts: intron variant (2).
Genome position (GRCh38, 1-based): chr7:5,978,595, C>A on the plus strand (G>T on the coding strand, the complement: PMS2 is on the minus strand). VCF-style: chr7-5978595-C-A. GRCh37 (hg19) VCF-style: chr7-6018226-C-A.
Other names: c.1810+1G>T (NM_001406900.1); c.1702+1G>T (NM_001406909.1, NM_001322013.2, NM_001406908.1); c.1714+1G>T (NM_001406907.1, NM_001322010.2, NM_001406906.1); c.1870+1G>T (NM_001406892.1, NM_001406888.1, NM_001406890.1 and 14 more transcripts); c.1966+1G>T (NM_001406880.1, NM_001406878.1, NM_001406881.1 and 5 more transcripts); c.1909+1G>T (NM_001406886.1); c.1951+1G>T (NM_001406884.1); c.2107+1G>T (NM_001406874.1, NM_001406872.1); and 16 more.
Identifiers: ClinVar variation 455697 (VCV000455697.12), dbSNP rs1554294393, ClinGen allele CA366736382.

ClinVar aggregate classification (germline): Pathogenic/Likely pathogenic. Review status: criteria provided, multiple submitters, no conflicts (2 of 4 stars). 5 submissions from 5 submitters: Pathogenic (1); Likely pathogenic (4). Last evaluated 2026-01-06.

Conditions:
Hereditary nonpolyposis colorectal neoplasms. Identifiers: MedGen C0009405, MeSH D003123.
Mismatch repair cancer syndrome 4. Identifiers: MedGen C5436817, MONDO:0030843, OMIM 619101.
Lynch syndrome 4 (LYNCH4). Also called: Colorectal cancer, hereditary nonpolyposis, type 4; Hereditary non-polyposis colorectal cancer, type 4. Identifiers: Orphanet 144, MedGen C1838333, MONDO:0013699, OMIM 614337. Disease mechanism: loss of function.
Hereditary cancer-predisposing syndrome. Also called: Hereditary neoplastic syndrome; Tumor predisposition; Neoplastic Syndromes, Hereditary; Hereditary Cancer Syndrome. Identifiers: Orphanet 140162, MedGen C0027672, MeSH D009386, MONDO:0015356.

Submissions (5):

Ambry Genetics
Classification: Likely pathogenic for Hereditary cancer-predisposing syndrome. Last evaluated: 2026-01-06. Review status: criteria provided, single submitter. Criteria: Ambry Variant Classification Scheme 2023. Collection method: clinical testing. Allele origin: germline.
Comment: The c.2275+1G>T intronic variant results from a G to T substitution one nucleotide after coding exon 13 of the PMS2 gene. This nucleotide position is highly conserved in available vertebrate species. In silico splice site analysis predicts that this alteration will weaken the native splice donor site. Alterations that disrupt the canonical splice site are expected to cause aberrant splicing, resulting in an abnormal protein or a transcript that is subject to nonsense-mediated mRNA decay. As such, this alteration is classified as likely pathogenic.

Labcorp Genetics (formerly Invitae), Labcorp
Classification: Pathogenic for Hereditary nonpolyposis colorectal neoplasms. Last evaluated: 2025-11-09. Review status: criteria provided, single submitter. Criteria: Invitae Variant Classification Sherloc (09022015). Collection method: clinical testing. Allele origin: germline.
Comment: This sequence change affects a donor splice site in intron 13 of the PMS2 gene. RNA analysis indicates that disruption of this splice site induces altered splicing and may result in an absent or altered protein product. The frequency data for this variant in the population databases (gnomAD) is considered unreliable due to the presence of homologous sequence, such as pseudogenes or paralogs, in the genome. Disruption of this splice site has been observed in individuals with clinical features of Lynch syndrome (PMID: 31992580, 33193653; internal data). ClinVar contains an entry for this variant (Variation ID: 455697). Studies have shown that disruption of this splice site results in skipping of exon 13, and produces a non-functional protein and/or introduces a premature termination codon (internal data). For these reasons, this variant has been classified as Pathogenic.

Quest Diagnostics Nichols Institute San Juan Capistrano
Classification: Likely pathogenic. Last evaluated: 2024-09-20. Review status: criteria provided, single submitter. Criteria: Quest Diagnostics criteria. Collection method: clinical testing. Allele origin: unknown.
Comment: The PMS2 c.2275+1G>T variant disrupts a canonical splice-donor site and is predicted to interfere with normal PMS2 mRNA splicing. To the best of our knowledge, this variant has not been reported in the published literature. Other variants disrupting this splice site, c.2275+1G>A and c.2275+1G>C, have been reported in individuals with colorectal cancer/Lynch syndrome (PMIDs: 31992580 (2020), 33193653 (2020)). The PMS2 c.2275+1G>T variant has not been reported in large, multi-ethnic general populations (Genome Aggregation Database). Based on the available information, this variant is classified as likely pathogenic.

Myriad Genetics, Inc.
Classification: Likely pathogenic for Lynch syndrome 4. Last evaluated: 2023-09-22. Review status: criteria provided, single submitter. Criteria: Myriad Autosomal Dominant, Autosomal Recessive and X-Linked Classification Criteria (2023). Collection method: clinical testing. Allele origin: unknown.
Comment: This variant is considered likely pathogenic. This variant occurs within a consensus splice junction and is predicted to result in abnormal mRNA splicing of either an out-of-frame exon or an in-frame exon necessary for protein stability and/or normal function.

Juno Genomics, Hangzhou Juno Genomics, Inc
Classification: Likely pathogenic for Lynch syndrome 4; Mismatch repair cancer syndrome 4. Review status: criteria provided, single submitter. Criteria: ACMG Guidelines, 2015. Collection method: clinical testing. Allele origin: germline.
Comment: Null variant in a gene where loss of function (LOF) is a known mechanism of disease.;Absent from controls (or at extremely low frequency if recessive) in Genome Aggregation Database.

Literature cited by the submitters: PubMed 31992580 (cited by Labcorp Genetics (formerly Invitae), Labcorp); PubMed 33193653 (cited by Labcorp Genetics (formerly Invitae), Labcorp).